The following is an entry in ClinVar:

NM_007279.3(U2AF2):c.68G>T (p.Arg23Leu)

Gene: U2AF2 (U2 small nuclear RNA auxiliary factor 2; plus strand). Cytogenetic location: 19q13.42.
Variant type: single nucleotide variant.
Coding change: c.68G>T on transcript NM_007279.3 (MANE Select); coding-DNA position 68, G replaced by T.
Protein change: p.Arg23Leu; replaces arginine 23 with leucine.
Molecular consequence: missense variant.
Genome position (GRCh38, 1-based): chr19:55,659,228, G>T. VCF-style: chr19-55659228-G-T. GRCh37 (hg19) VCF-style: chr19-56170594-G-T.
Other names: c.68G>T, p.Arg23Leu (NM_001012478.2); short protein forms R23L.
Identifiers: ClinVar variation 3767510 (VCV003767510.1).

ClinVar aggregate classification (germline): Uncertain significance (1 of 4 stars; one submission).

Submission:

GeneDx
Classification: Uncertain significance. Last evaluated: 2024-09-08. Review status: criteria provided, single submitter. Criteria: GeneDx Variant Classification Process June 2021. Collection method: clinical testing. Allele origin: germline. Affected: yes.
Comment: Not observed at significant frequency in large population cohorts (gnomAD); In silico analysis supports that this missense variant has a deleterious effect on protein structure/function; Has not been previously published as pathogenic or benign to our knowledge